The following is an entry in ClinVar:

ClinVar aggregate classification (germline): Uncertain significance. Review status: criteria provided, multiple submitters, no conflicts (2 of 4 stars). 3 submissions from 3 submitters: Uncertain significance (3). Last evaluated 2026-04-27.

Conditions:
Marfan syndrome (MFS). Also called: FBN1-Related Marfan Syndrome; MARFAN SYNDROME, TYPE I; Marfan syndrome type 1; Marfan's syndrome; Marfan syndrome, classic. Identifiers: Orphanet 284963, Orphanet 558, MedGen C0024796, MONDO:0007947, OMIM 154700.
Familial thoracic aortic aneurysm and aortic dissection (TAAD). Also called: Thoracic aortic aneurysms and dissections. Identifiers: Orphanet 91387, MedGen C4707243, MONDO:0019625.

gnomAD v4.1: 1 of 1,614,162 alleles (0.000062%); highest among the groups gnomAD compares: Non-Finnish European, 0.000085%; no homozygotes.

Submissions (3):

Ambry Genetics
Classification: Uncertain significance for Familial thoracic aortic aneurysm and aortic dissection. Last evaluated: 2026-04-27. Review status: criteria provided, single submitter. Criteria: Ambry Variant Classification Scheme 2023. Collection method: clinical testing. Allele origin: germline.
Comment: The p.F1712L variant (also known as c.5134T>C), located in coding exon 41 of the FBN1 gene, results from a T to C substitution at nucleotide position 5134. The phenylalanine at codon 1712 is replaced by leucine, an amino acid with highly similar properties. This amino acid position is highly conserved in available vertebrate species. In addition, this alteration is predicted to be deleterious by in silico analysis. Based on the available evidence, the clinical significance of this variant remains unclear.

Labcorp Genetics (formerly Invitae), Labcorp
Classification: Uncertain significance for Marfan syndrome; Familial thoracic aortic aneurysm and aortic dissection. Last evaluated: 2025-03-05. Review status: criteria provided, single submitter. Criteria: Invitae Variant Classification Sherloc (09022015). Collection method: clinical testing. Allele origin: germline.
Comment: This sequence change replaces phenylalanine, which is neutral and non-polar, with leucine, which is neutral and non-polar, at codon 1712 of the FBN1 protein (p.Phe1712Leu). This variant is not present in population databases (gnomAD no frequency). This variant has not been reported in the literature in individuals affected with FBN1-related conditions. Invitae Evidence Modeling of protein sequence and biophysical properties (such as structural, functional, and spatial information, amino acid conservation, physicochemical variation, residue mobility, and thermodynamic stability) has been performed for this missense variant. However, the output from this modeling did not meet the statistical confidence thresholds required to predict the impact of this variant on FBN1 protein function. In summary, the available evidence is currently insufficient to determine the role of this variant in disease. Therefore, it has been classified as a Variant of Uncertain Significance.

Blueprint Genetics
Classification: Uncertain significance. Last evaluated: 2024-04-19. Review status: criteria provided, single submitter. Criteria: ACMG Guidelines, 2015. Collection method: clinical testing. Allele origin: germline.

NM_000138.5(FBN1):c.5134T>C (p.Phe1712Leu)

Gene: FBN1 (fibrillin 1; minus strand). Cytogenetic location: 15q21.1.
Variant type: single nucleotide variant.
Coding change: c.5134T>C on transcript NM_000138.5 (MANE Select); coding-DNA position 5134, T replaced by C.
Protein change: p.Phe1712Leu; replaces phenylalanine 1712 with leucine.
Molecular consequence: missense variant.
Genome position (GRCh38, 1-based): chr15:48,463,172, A>G on the plus strand (T>C on the coding strand, the complement: FBN1 is on the minus strand). VCF-style: chr15-48463172-A-G. GRCh37 (hg19) VCF-style: chr15-48755369-A-G.
Other names: c.5134T>C, p.Phe1712Leu (NM_001406716.1); short protein forms F1712L.
Identifiers: ClinVar variation 4787580 (VCV004787580.3).
Genomic context (GRCh38, chr15:48,463,172, plus strand): 5'-GCTTGTTCCACGCCCGGCCAATGTTGTAGGAACAGCAGCACATCTTCTTGGTCATGTTGA[A>G]TAACAATTCTCCATCACAGGTCTGGTTGTCAGCATAGTAGTTTCTGTAGCACAAACTTCT-3'
Protein context (NP_000129.3, residues 1702-1722): DNQTCDGELL[Phe1712Leu]NMTKKMCCCS